The following is an entry in ClinVar:

ClinVar aggregate classification (germline): Uncertain significance. Review status: criteria provided, single submitter (1 of 4 stars). 3 submissions from 3 submitters: Uncertain significance (1). 2 of the submissions do not count toward it. Last evaluated 2024-08-15.

Conditions:
Jeune thoracic dystrophy. Also called: Jeune syndrome; Infantile thoracic dystrophy; Thoracic pelvic phalangeal dystrophy; Jeune's syndrome; Chondroectodermal dysplasia-like syndrome; Short-rib thoracic dysplasia. Identifiers: Orphanet 474, MedGen C0265275, MONDO:0018770.

Allele frequency attached by ClinVar (database versions not stated): gnomAD 0.00001; TOPMed 0.00001.

Submissions (3):

Women's Health and Genetics/Laboratory Corporation of America, LabCorp
Classification: Uncertain significance. Last evaluated: 2024-08-15. Review status: criteria provided, single submitter. Criteria: LabCorp Variant Classification Summary - May 2015. Collection method: clinical testing. Allele origin: germline.
Comment: Variant summary: DYNC2H1 c.7663G>A (p.Val2555Met) results in a conservative amino acid change in the encoded protein sequence. Three of five in-silico tools predict a benign effect of the variant on protein function. The variant was absent in 244838 control chromosomes. The available data on variant occurrences in the general population are insufficient to allow any conclusion about variant significance. c.7663G>A has been reported in the literature in individuals affected with Asphyxiating thoracic dystrophy (Schmidts_2013, Zhang_2018). These data do not allow any conclusion about variant significance. To our knowledge, no experimental evidence demonstrating an impact on protein function has been reported. The following publications have been ascertained in the context of this evaluation (PMID: 23456818, 29068549). ClinVar contains an entry for this variant (Variation ID: 446589). Based on the evidence outlined above, the variant was classified as uncertain significance.

Dan Cohn Lab, University Of California Los Angeles
Classification: Pathogenic for Asphyxiating thoracic dystrophy. Last evaluated: 2017-06-01. Review status: no assertion criteria provided. Collection method: research. Allele origin: maternal. Affected: yes. Not counted in ClinVar's aggregate classification.

University of Washington Center for Mendelian Genomics, University of Washington
Classification: Likely pathogenic for asphyxiating thoracic dystrophy. Review status: no assertion criteria provided. Collection method: research. Allele origin: inherited. Affected: yes. Not counted in ClinVar's aggregate classification.

Literature cited by the submitters: PubMed 29068549 (cited by 3 submitters); PubMed 23456818 (cited by Women's Health and Genetics/Laboratory Corporation of America, LabCorp).

NM_001377.3(DYNC2H1):c.7663G>A (p.Val2555Met)

Gene: DYNC2H1 (dynein cytoplasmic 2 heavy chain 1; plus strand). Cytogenetic location: 11q22.3.
Variant type: single nucleotide variant.
Coding change: c.7663G>A on transcript NM_001377.3 (MANE Select); coding-DNA position 7663, G replaced by A.
Protein change: p.Val2555Met; replaces valine 2555 with methionine.
Molecular consequence: missense variant.
Genome position (GRCh38, 1-based): chr11:103,192,219, G>A. VCF-style: chr11-103192219-G-A. GRCh37 (hg19) VCF-style: chr11-103062948-G-A.
Other names: c.7663G>A, p.Val2555Met (NM_001080463.2); short protein forms V2555M.
Identifiers: ClinVar variation 446589 (VCV000446589.3), dbSNP rs746195428, ClinGen allele CA382254586.